The following is an entry in ClinVar:

ClinVar aggregate classification (germline): Pathogenic (1 of 4 stars; one submission).

Submission:

Labcorp Genetics (formerly Invitae), Labcorp
Classification: Pathogenic. Last evaluated: 2024-08-06. Review status: criteria provided, single submitter. Criteria: Invitae Variant Classification Sherloc (09022015). Collection method: clinical testing. Allele origin: germline.
Comment: This sequence change creates a premature translational stop signal (p.Tyr815Glyfs*36) in the CDH23 gene. It is expected to result in an absent or disrupted protein product. Loss-of-function variants in CDH23 are known to be pathogenic (PMID: 11138009, 21940737). This variant is not present in population databases (gnomAD no frequency). This variant has not been reported in the literature in individuals affected with CDH23-related conditions. For these reasons, this variant has been classified as Pathogenic.

Literature cited by the submitters: PubMed 11138009; PubMed 21940737.

NM_022124.6(CDH23):c.2438_2441dup (p.Tyr815fs)

Gene: CDH23 (cadherin related 23; plus strand). Cytogenetic location: 10q22.1.
Variant type: Duplication.
Coding change: c.2438_2441dup on transcript NM_022124.6 (MANE Select); coding-DNA positions 2438 to 2441, 4 bases duplicated (TGGT; older notation c.2438_2441dupTGGT).
Protein change: p.Tyr815fs; shifts the reading frame from tyrosine 815.
Molecular consequence: frameshift variant.
Genome position (GRCh38, 1-based): chr10:71,702,062-71,702,065, TGGT duplicated. VCF-style (leftmost placement, unchanged base first): chr10-71702061-C-CTGGT. GRCh37 (hg19) VCF-style: chr10-73461818-C-CTGGT.
Other names: c.2438_2441dup, p.Tyr815fs (NM_001171930.2, NM_001171931.2); short protein forms Y815fs.
Identifiers: ClinVar variation 3661576 (VCV003661576.2).